The following is an entry in ClinVar:

NM_002458.3(MUC5B):c.3926C>T (p.Thr1309Met)

Gene: MUC5B (mucin 5B, oligomeric mucus/gel-forming; plus strand). Cytogenetic location: 11p15.5.
Variant type: single nucleotide variant.
Coding change: c.3926C>T on transcript NM_002458.3 (MANE Select); coding-DNA position 3926, C replaced by T.
Protein change: p.Thr1309Met; replaces threonine 1309 with methionine.
Molecular consequence: missense variant.
Genome position (GRCh38, 1-based): chr11:1,240,331, C>T. VCF-style: chr11-1240331-C-T. GRCh37 (hg19) VCF-style: chr11-1261561-C-T.
Other names: short protein forms T1309M.
Identifiers: ClinVar variation 504735 (VCV000504735.5), dbSNP rs200226020, ClinGen allele CA5805285.

ClinVar aggregate classification (germline): Likely benign. Review status: criteria provided, multiple submitters, no conflicts (2 of 4 stars). 2 submissions from 2 submitters: Likely benign (2). Last evaluated 2022-03-02.

Conditions:
Interstitial lung disease 2 (ILD2). Also called: FIBROCYSTIC PULMONARY DYSPLASIA; FIBROSING ALVEOLITIS, CRYPTOGENIC; Familial idiopathic pulmonary fibrosis. Identifiers: Orphanet 2032, Orphanet 79126, MedGen C5561926, MONDO:0800497, OMIM 178500, MONDO:0800029.

Allele frequency attached by ClinVar (database versions not stated): gnomAD 0.00030 and 0.00039; ESP Exome Variant Server 0.00031; TOPMed 0.00040; ExAC 0.00042; gnomAD exomes 0.00054; 1000 Genomes Project 30x 0.00078; 1000 Genomes Project 0.00080.
gnomAD v4.1: 385 of 1,610,002 alleles (0.024%); highest among the groups gnomAD compares: East Asian, 0.3%; 2 homozygotes.

Submissions (2):

Fulgent Genetics
Classification: Likely benign for Interstitial lung disease 2. Last evaluated: 2022-03-02. Review status: criteria provided, single submitter. Criteria: ACMG Guidelines, 2015. Collection method: clinical testing. Allele origin: unknown.

Laboratory for Molecular Medicine, Mass General Brigham Personalized Medicine
Classification: Likely benign. Last evaluated: 2017-01-20. Review status: criteria provided, single submitter. Criteria: LMM Criteria. Collection method: clinical testing. Allele origin: germline. Observed: 1 variant allele.
Comment: p.Thr1309Met in exon 30 of MUC5B: This variant is not expected to have clinical significance because it is not located within the splice consensus sequence. It has been identified in 0.5% (40/8608) of East Asian chromosomes by the Exome Ag gregation Consortium (ExAC; dbSNP rs200226020).